The following is an entry in ClinVar:

NM_001378120.1(MBD5):c.3974T>A (p.Val1325Asp)

Gene: MBD5 (methyl-CpG binding domain protein 5; plus strand). Cytogenetic location: 2q23.1.
Variant type: single nucleotide variant.
Coding change: c.3974T>A on transcript NM_001378120.1 (MANE Select); coding-DNA position 3974, T replaced by A.
Protein change: p.Val1325Asp; replaces valine 1325 with aspartic acid.
Molecular consequence: missense variant.
Genome position (GRCh38, 1-based): chr2:148,489,606, T>A. VCF-style: chr2-148489606-T-A. GRCh37 (hg19) VCF-style: chr2-149247175-T-A.
Other names: c.3275T>A, p.Val1092Asp (NM_018328.5); short protein forms V1325D, V1092D.
Identifiers: ClinVar variation 2129232 (VCV002129232.4), dbSNP rs200136624, ClinGen allele CA1900365.
Genomic context (GRCh38, chr2:148,489,606, plus strand): 5'-AGGATGGCCTCGTTGTGGGTGGCCCAGGTGATGCTTCCGTAGATGCCATTTACAAAGCAG[T>A]TGTCGATGCAGCCAGCAAAGGAATGCAGGTTGTCATCACCACTGCAGTCAACAGTACAAC-3'
Protein context (NP_001365049.1, residues 1315-1335): DASVDAIYKA[Val1325Asp]VDAASKGMQV

ClinVar aggregate classification (germline): Uncertain significance (1 of 4 stars; one submission).

Conditions:
Intellectual developmental disorder, autosomal dominant 1. Also called: Intellectual disability, autosomal dominant 1; MBD5 Haploinsufficiency. Identifiers: Orphanet 228402, MedGen C1969562, MONDO:0007974, OMIM 156200.

Allele frequency attached by ClinVar (database versions not stated): TOPMed below 0.00001; ExAC 0.00002; gnomAD 0.00005; 1000 Genomes Project 30x 0.00016; 1000 Genomes Project 0.00020.
gnomAD v4.1: 39 of 1,614,172 alleles (0.0024%); highest among the groups gnomAD compares: Non-Finnish European, 0.00017%; no homozygotes.

Submission:

Labcorp Genetics (formerly Invitae), Labcorp
Classification: Uncertain significance for Intellectual developmental disorder, autosomal dominant 1. Last evaluated: 2022-04-22. Review status: criteria provided, single submitter. Criteria: Invitae Variant Classification Sherloc (09022015). Collection method: clinical testing. Allele origin: germline.
Comment: In summary, the available evidence is currently insufficient to determine the role of this variant in disease. Therefore, it has been classified as a Variant of Uncertain Significance. Algorithms developed to predict the effect of missense changes on protein structure and function are either unavailable or do not agree on the potential impact of this missense change (SIFT: "Deleterious"; PolyPhen-2: "Not Available"; Align-GVGD: "Class C65"). This variant has not been reported in the literature in individuals affected with MBD5-related conditions. This variant is present in population databases (rs200136624, gnomAD 0.06%), and has an allele count higher than expected for a pathogenic variant. This sequence change replaces valine, which is neutral and non-polar, with aspartic acid, which is acidic and polar, at codon 1092 of the MBD5 protein (p.Val1092Asp).